The following is an entry in ClinVar:

ClinVar aggregate classification (germline): Pathogenic (1 of 4 stars; one submission).

Conditions:
Familial cancer of breast. Also called: BREAST CANCER, FAMILIAL; Hereditary breast cancer; hereditary breast carcinoma. Identifiers: Orphanet 227535, MedGen C0346153, MONDO:0016419, OMIM 114480. Disease mechanism: loss of function.

Submission:

Myriad Genetics, Inc.
Classification: Pathogenic for Familial cancer of breast. Last evaluated: 2024-01-25. Review status: criteria provided, single submitter. Criteria: Myriad Autosomal Dominant, Autosomal Recessive and X-Linked Classification Criteria (2023). Collection method: clinical testing. Allele origin: unknown.
Comment: This variant is considered pathogenic. This variant creates a frameshift predicted to result in premature protein truncation.

NM_000051.4(ATM):c.5632del (p.Ser1878fs)

Gene: ATM (ATM serine/threonine kinase; plus strand). Cytogenetic location: 11q22.3.
Variant type: Deletion.
Coding change: c.5632del on transcript NM_000051.4 (MANE Select); coding-DNA position 5632, one base deleted (T; older notation c.5632delT).
Protein change: p.Ser1878fs; shifts the reading frame from serine 1878.
Molecular consequence: frameshift variant.
Genome position (GRCh38, 1-based): chr11:108,304,810, T deleted. VCF-style (leftmost placement, unchanged base first): chr11-108304809-CT-C. GRCh37 (hg19) VCF-style: chr11-108175536-CT-C.
Other names: c.5632del, p.Ser1878fs (NM_001351834.2); short protein forms S1878fs.
Identifiers: ClinVar variation 3148544 (VCV003148544.1), dbSNP rs2546988165, ClinGen allele CA2825001912.
Genomic context (GRCh38, chr11:108,304,809, plus strand): 5'-ATGGAGAAATCTGCTTTCTACACATGTTCAGGGATTTTTCACCAGCTGTCTTCGACACTT[CT>C]CGCAAACGAGCCGATCCACAACCCCTGCAAACTTGGATTCAGGTATTCTATTAAATTTTT-3'